The following is an entry in ClinVar:

NM_001875.5(CPS1):c.3935dup (p.Met1312fs)

Gene: CPS1 (carbamoyl-phosphate synthase 1; plus strand). Cytogenetic location: 2q34.
Variant type: Duplication.
Coding change: c.3935dup on transcript NM_001875.5 (MANE Select); coding-DNA position 3935, one base duplicated (T; older notation c.3935dupT).
Protein change: p.Met1312fs; shifts the reading frame from methionine 1312.
Molecular consequence: frameshift variant. On other transcripts: non-coding transcript variant (2).
Genome position (GRCh38, 1-based): chr2:210,663,130, T duplicated. VCF-style (leftmost placement, unchanged base first): chr2-210663129-A-AT. GRCh37 (hg19) VCF-style: chr2-211527853-A-AT.
Other names: c.3935dup, p.Met1312fs (NM_001122633.3, NM_001369257.1); c.3968dup, p.Met1323fs (NM_001369256.1); short protein forms M1312fs, M1323fs.
Identifiers: ClinVar variation 1454065 (VCV001454065.8), dbSNP rs2105926082, ClinGen allele CA2573135222.
Genomic context (GRCh38, chr2:210,663,129, plus strand): 5'-TTTTCTACTTTTCCCTCACATAATTTTTCTCCCTGTTTTTTTTTTTTCCAACAGGCTCCC[A>AT]TGTTTTCCTGGCCCCGGTTGAGGGATGCTGACCCCATTCTGAGATGTGAGATGGCTTCCA-3'

ClinVar aggregate classification (germline): Pathogenic (1 of 4 stars; one submission).

Conditions:
Congenital hyperammonemia, type I. Also called: Carbamoyl phosphate synthetase I deficiency disease; CPS I DEFICIENCY; Carbamoyl-phosphate synthase I deficiency; Carbamoyl phosphate synthetase 1 deficiency; Hyperammonemia due to carbamoyl phosphate synthetase 1 deficiency; CPS 1 deficiency. Identifiers: Orphanet 147, MedGen C4082171, MONDO:0009376, OMIM 237300.

Allele frequency attached by ClinVar (database versions not stated): gnomAD exomes below 0.00001.

Submission:

Labcorp Genetics (formerly Invitae), Labcorp
Classification: Pathogenic for Congenital hyperammonemia, type I. Last evaluated: 2021-05-03. Review status: criteria provided, single submitter. Criteria: Invitae Variant Classification Sherloc (09022015). Collection method: clinical testing. Allele origin: germline.
Comment: For these reasons, this variant has been classified as Pathogenic. This variant has been observed in individual(s) with CPS1-related conditions (PMID: 32154057). This variant is not present in population databases (ExAC no frequency). This sequence change creates a premature translational stop signal (p.Met1312Ilefs*11) in the CPS1 gene. It is expected to result in an absent or disrupted protein product. Loss-of-function variants in CPS1 are known to be pathogenic (PMID: 21120950).

Literature cited by the submitters: PubMed 32154057; PubMed 21120950.